The following is an entry in ClinVar:

NM_025099.6(CTC1):c.1334G>A (p.Arg445His)

Gene: CTC1 (CST telomere replication complex component 1; minus strand). Cytogenetic location: 17p13.1.
Variant type: single nucleotide variant.
Coding change: c.1334G>A on transcript NM_025099.6 (MANE Select); coding-DNA position 1334, G replaced by A.
Protein change: p.Arg445His; replaces arginine 445 with histidine.
Molecular consequence: missense variant. On other transcripts: non-coding transcript variant (1).
Genome position (GRCh38, 1-based): chr17:8,235,158, C>T on the plus strand (G>A on the coding strand, the complement: CTC1 is on the minus strand). VCF-style: chr17-8235158-C-T. GRCh37 (hg19) VCF-style: chr17-8138476-C-T.
Other names: short protein forms R445H.
Identifiers: ClinVar variation 1446706 (VCV001446706.6), dbSNP rs768361173, ClinGen allele CA8372382.
Genomic context (GRCh38, chr17:8,235,158, plus strand): 5'-GGAAGTCCTAACTGACGTTCCCACACCAGCTGCTCGTACAGGGAGGCCCCGTAGGCTTGA[C>T]GGGATGAGTGAGCCCCAGGCTTCTGACGAGAGAAGCTTTGAAGCAGAACGGCGCCACGGA-3'
Protein context (NP_079375.3, residues 435-455): SRQKPGAHSS[Arg445His]QAYGASLYEQ

ClinVar aggregate classification (germline): Uncertain significance. Review status: criteria provided, multiple submitters, no conflicts (2 of 4 stars). 2 submissions from 2 submitters: Uncertain significance (2). Last evaluated 2024-01-31.

Conditions:
Cerebroretinal microangiopathy with calcifications and cysts 1 (CRMCC1). Identifiers: Orphanet 313838, MedGen C4552029, MONDO:0024564, OMIM 612199.
Dyskeratosis congenita. Identifiers: Orphanet 1775, MedGen C0265965, MONDO:0015780.

Allele frequency attached by ClinVar (database versions not stated): ExAC 0.00002; TOPMed 0.00002.
gnomAD v4.1: 16 of 1,614,128 alleles (0.00099%); highest among the groups gnomAD compares: Admixed American, 0.0033%; no homozygotes.

Submissions (2):

Fulgent Genetics
Classification: Uncertain significance for Cerebroretinal microangiopathy with calcifications and cysts 1. Last evaluated: 2024-01-31. Review status: criteria provided, single submitter. Criteria: ACMG Guidelines, 2015. Collection method: clinical testing. Allele origin: germline.

Labcorp Genetics (formerly Invitae), Labcorp
Classification: Uncertain significance for Dyskeratosis congenita. Last evaluated: 2022-10-14. Review status: criteria provided, single submitter. Criteria: Invitae Variant Classification Sherloc (09022015). Collection method: clinical testing. Allele origin: germline.
Comment: This sequence change replaces arginine, which is basic and polar, with histidine, which is basic and polar, at codon 445 of the CTC1 protein (p.Arg445His). This variant is present in population databases (rs768361173, gnomAD 0.006%). This variant has not been reported in the literature in individuals affected with CTC1-related conditions. ClinVar contains an entry for this variant (Variation ID: 1446706). Advanced modeling of protein sequence and biophysical properties (such as structural, functional, and spatial information, amino acid conservation, physicochemical variation, residue mobility, and thermodynamic stability) performed at Invitae indicates that this missense variant is not expected to disrupt CTC1 protein function. In summary, the available evidence is currently insufficient to determine the role of this variant in disease. Therefore, it has been classified as a Variant of Uncertain Significance.